The following is an entry in ClinVar:

ClinVar aggregate classification (germline): Likely benign (1 of 4 stars; one submission).

gnomAD v4.1: 60 of 1,613,314 alleles (0.0037%); highest among the groups gnomAD compares: Non-Finnish European, 0.0047%; no homozygotes.

Submission:

CeGaT Center for Human Genetics Tuebingen
Classification: Likely benign. Last evaluated: 2026-04-01. Review status: criteria provided, single submitter. Criteria: CeGaT Center For Human Genetics Tuebingen Variant Classification Criteria Version 2. Collection method: clinical testing. Allele origin: germline. Affected: yes. Observed: 1 variant allele.
Comment: CDC42BPB: BP4

NM_006035.4(CDC42BPB):c.3424A>G (p.Ile1142Val)

Gene: CDC42BPB (CDC42 binding protein kinase beta; minus strand). Cytogenetic location: 14q32.32.
Variant type: single nucleotide variant.
Coding change: c.3424A>G on transcript NM_006035.4 (MANE Select); coding-DNA position 3424, A replaced by G.
Protein change: p.Ile1142Val; replaces isoleucine 1142 with valine.
Molecular consequence: missense variant.
Genome position (GRCh38, 1-based): chr14:102,949,790, T>C on the plus strand (A>G on the coding strand, the complement: CDC42BPB is on the minus strand). VCF-style: chr14-102949790-T-C. GRCh37 (hg19) VCF-style: chr14-103416127-T-C.
Other names: c.3346A>G, p.Ile1116Val (NM_001411054.1); short protein forms I1116V, I1142V.
Identifiers: ClinVar variation 4873952 (VCV004873952.2).
Genomic context (GRCh38, chr14:102,949,790, plus strand): 5'-TCACAGAGCAAGGACAGTGCTGCCCAAACGCAGACCTGAGATCCAAGACTTGGCTCGCAA[T>C]GACACCAGGCTGGGTGGATTTTCCTTCAGGCAGATCATACAGGAAGAGCTTGCAGTCACA-3'
Protein context (NP_006026.3, residues 1132-1152): PEGKSTQPGV[Ile1142Val]ASQVLDLRDD